The following is an entry in ClinVar:

ClinVar aggregate classification (germline): Uncertain significance (0 of 4 stars; one submission).

Conditions:
JAK2-related disorder. Also called: JAK2-related condition.

Allele frequency attached by ClinVar (database versions not stated): gnomAD exomes below 0.00001.
gnomAD v4.1: 3 of 1,582,944 alleles (0.00019%); highest among the groups gnomAD compares: South Asian, 0.0024%; no homozygotes.

Submission:

PreventionGenetics, part of Exact Sciences
Classification: Uncertain significance for JAK2-related condition. Last evaluated: 2024-01-22. Review status: no assertion criteria provided. Collection method: clinical testing. Allele origin: germline.
Comment: The JAK2 c.2420G>A variant is predicted to result in the amino acid substitution p.Ser807Asn. To our knowledge, this variant has not been reported in the literature. This variant is reported in 0.0062% of alleles in individuals of East Asian descent in gnomAD. At this time, the clinical significance of this variant is uncertain due to the absence of conclusive functional and genetic evidence.

NM_004972.4(JAK2):c.2420G>A (p.Ser807Asn)

Genes: INSL6 (insulin like 6; minus strand), JAK2 (Janus kinase 2; plus strand). Cytogenetic location: 9p24.1.
Variant type: single nucleotide variant.
Coding change: c.2420G>A on transcript NM_004972.4 (MANE Select); coding-DNA position 2420, G replaced by A.
Protein change: p.Ser807Asn; replaces serine 807 with asparagine.
Molecular consequence: missense variant. On other transcripts: non-coding transcript variant (2).
Genome position (GRCh38, 1-based): chr9:5,080,669, G>A. VCF-style: chr9-5080669-G-A. GRCh37 (hg19) VCF-style: chr9-5080669-G-A.
Other names: c.2420G>A, p.Ser807Asn (NM_001322194.2, NM_001322195.2, NM_001322196.2); c.1205G>A, p.Ser402Asn (NM_001322198.2, NM_001322199.2); c.1973G>A, p.Ser658Asn (NM_001322204.2); short protein forms S402N, S658N, S807N.
Identifiers: ClinVar variation 3032403 (VCV003032403.2), dbSNP rs1242280983, ClinGen allele CA372828448.